The following is an entry in ClinVar:

NM_001042492.3(NF1):c.4561dup (p.Tyr1521fs)

Gene: NF1 (neurofibromin 1; plus strand). Cytogenetic location: 17q11.2.
Variant type: Duplication.
Coding change: c.4561dup on transcript NM_001042492.3 (MANE Select); coding-DNA position 4561, one base duplicated (T; older notation c.4561dupT).
Protein change: p.Tyr1521fs; shifts the reading frame from tyrosine 1521.
Molecular consequence: frameshift variant.
Genome position (GRCh38, 1-based): chr17:31,260,499, T duplicated. VCF-style (leftmost placement, unchanged base first): chr17-31260498-G-GT. GRCh37 (hg19) VCF-style: chr17-29587516-G-GT.
Other names: c.4498dupT (NM_000267.3); c.4498dup, p.Tyr1500Leufs (NM_000267.4); short protein forms Y1500fs, Y1521fs.
Identifiers: ClinVar variation 1741004 (VCV001741004.3), dbSNP rs2508422023, ClinGen allele CA2580093262.

ClinVar aggregate classification (germline): Pathogenic. Review status: criteria provided, multiple submitters, no conflicts (2 of 4 stars). 2 submissions from 2 submitters: Pathogenic (2). Last evaluated 2023-12-06.

Conditions:
Neurofibromatosis, type 1 (NF1). Also called: VON RECKLINGHAUSEN DISEASE; NEUROFIBROMATOSIS, TYPE I, SOMATIC; Neurofibromatosis, type I; Peripheral type neurofibromatosis. Identifiers: Orphanet 636, MedGen C0027831, MONDO:0018975, OMIM 162200. Disease mechanism: loss of function.
Cardiovascular phenotype. Identifiers: MedGen CN230736.
Hereditary cancer-predisposing syndrome. Also called: Neoplastic Syndromes, Hereditary; Tumor predisposition; Hereditary Cancer Syndrome; Hereditary neoplastic syndrome. Identifiers: Orphanet 140162, MedGen C0027672, MeSH D009386, MONDO:0015356.

Submissions (2):

Institute of Medical Genetics and Applied Genomics, University Hospital Tübingen
Classification: Pathogenic for Neurofibromatosis, type 1. Last evaluated: 2023-12-06. Review status: criteria provided, single submitter. Criteria: ACMG Guidelines, 2015. Collection method: clinical testing. Allele origin: germline. Inheritance: Autosomal dominant inheritance. Affected: yes.

Ambry Genetics
Classification: Pathogenic for Cardiovascular phenotype; Hereditary cancer-predisposing syndrome. Last evaluated: 2020-03-31. Review status: criteria provided, single submitter. Criteria: Ambry Variant Classification Scheme 2023. Collection method: clinical testing. Allele origin: germline.
Comment: The c.4498dupT pathogenic mutation, located in coding exon 33 of the NF1 gene, results from a duplication of T at nucleotide position 4498, causing a translational frameshift with a predicted alternate stop codon (p.Y1500Lfs*9). This variant was not reported in population-based cohorts in the Genome Aggregation Database (gnomAD). This alteration is expected to result in loss of function by premature protein truncation or nonsense-mediated mRNA decay. As such, this alteration is interpreted as a disease-causing mutation.